The following is an entry in ClinVar:

ClinVar aggregate classification (germline): Benign/Likely benign. Review status: criteria provided, multiple submitters, no conflicts (2 of 4 stars). 2 submissions from 2 submitters: Benign (1); Likely benign (1). Last evaluated 2026-06-17.

Conditions:
Polyps, multiple and recurrent inflammatory fibroid, gastrointestinal. Identifiers: MedGen C5193005, MONDO:0008285, OMIM 175510.
Gastrointestinal stromal tumor. Also called: Gastrointestinal stroma tumor; Gastrointestinal stromal tumor, somatic. Identifiers: Orphanet 44890, MedGen C0238198, MeSH D046152, MONDO:0011719, OMIM 606764, HP:0100723.

Allele frequency attached by ClinVar (database versions not stated): TOPMed 0.00001; gnomAD exomes below 0.00001.
gnomAD v4.1: 2 of 1,614,082 alleles (0.00012%); highest among the groups gnomAD compares: African/African-American, 0.0013%; no homozygotes.

Submissions (2):

Myriad Genetics, Inc.
Classification: Benign for Polyps, multiple and recurrent inflammatory fibroid, gastrointestinal. Last evaluated: 2026-06-17. Review status: criteria provided, single submitter. Criteria: Myriad Autosomal Dominant, Autosomal Recessive and X-Linked Classification Criteria (2023). Collection method: clinical testing. Allele origin: unknown.
Comment: This variant is considered benign. This variant is a silent/synonymous amino acid change and it is not expected to impact splicing.

Labcorp Genetics (formerly Invitae), Labcorp
Classification: Likely benign for Gastrointestinal stromal tumor. Last evaluated: 2025-12-24. Review status: criteria provided, single submitter. Criteria: Invitae Variant Classification Sherloc (09022015). Collection method: clinical testing. Allele origin: germline.

NM_006206.6(PDGFRA):c.1662G>A (p.Arg554=)

Gene: PDGFRA (platelet derived growth factor receptor alpha; plus strand). Cytogenetic location: 4q12.
Variant type: single nucleotide variant.
Coding change: c.1662G>A on transcript NM_006206.6 (MANE Select); coding-DNA position 1662, G replaced by A.
Protein change: p.Arg554=; no amino-acid change (arginine 554 retained).
Molecular consequence: synonymous variant.
Genome position (GRCh38, 1-based): chr4:54,274,849, G>A. VCF-style: chr4-54274849-G-A. GRCh37 (hg19) VCF-style: chr4-55141016-G-A.
Other names: c.1662G>A, p.Arg554= (NM_001347827.2, NM_001347829.2); c.1737G>A, p.Arg579= (NM_001347828.2); c.1701G>A, p.Arg567= (NM_001347830.2).
Identifiers: ClinVar variation 414484 (VCV000414484.10), dbSNP rs1060504244, ClinGen allele CA16611644.
Genomic context (GRCh38, chr4:54,274,849, plus strand): 5'-GGTGCACTGGGACTTTGGTAATTCACCAGTTACCTGTCCTGGTCATTTATAGAAACCGAG[G>A]TATGAAATTCGCTGGAGGGTCATTGAATCAATCAGCCCAGATGGACATGAATATATTTAT-3'
Protein context (NP_006197.1, residues 544-564): VLVVIWKQKP[Arg554=]YEIRWRVIES